The following is an entry in ClinVar:

ClinVar aggregate classification (germline): Uncertain significance (1 of 4 stars; one submission).

gnomAD v4.1: 6 of 1,611,472 alleles (0.00037%); highest among the groups gnomAD compares: Non-Finnish European, 0.00051%; no homozygotes.

Submission:

GeneDx
Classification: Uncertain significance. Last evaluated: 2024-09-27. Review status: criteria provided, single submitter. Criteria: GeneDx Variant Classification Process June 2021. Collection method: clinical testing. Allele origin: germline.
Comment: Not observed at significant frequency in large population cohorts (gnomAD); In silico analysis supports that this missense variant has a deleterious effect on protein structure/function; Has not been previously published as pathogenic or benign to our knowledge

NM_207037.2(TCF12):c.1480C>G (p.Arg494Gly)

Gene: TCF12 (transcription factor 12; plus strand). Cytogenetic location: 15q21.3.
Variant type: single nucleotide variant.
Coding change: c.1480C>G on transcript NM_207037.2 (MANE Select); coding-DNA position 1480, C replaced by G.
Protein change: p.Arg494Gly; replaces arginine 494 with glycine.
Molecular consequence: missense variant.
Genome position (GRCh38, 1-based): chr15:57,262,106, C>G. VCF-style: chr15-57262106-C-G. GRCh37 (hg19) VCF-style: chr15-57554304-C-G.
Other names: c.1234C>G, p.Arg412Gly (NM_001322158.2); c.1480C>G, p.Arg494Gly (NM_001322159.3, NM_001322162.2, NM_207036.2 and 2 more transcripts); c.1477C>G, p.Arg493Gly (NM_001322161.2); c.1444C>G, p.Arg482Gly (NM_001322164.2); c.1408C>G, p.Arg470Gly (NM_001322165.2, NM_003205.4, NM_207038.2 and 1 more transcripts); c.970C>G, p.Arg324Gly (NM_001306219.3); c.700C>G, p.Arg234Gly (NM_001306220.3); c.823C>G, p.Arg275Gly (NM_001322154.2); and 2 more; short protein forms R234G, R275G, R300G, R324G, R412G, R436G, R470G, R482G.
Identifiers: ClinVar variation 1800488 (VCV001800488.2), dbSNP rs776826025, ClinGen allele CA392588919.